The following is an entry in ClinVar:

NM_000037.4(ANK1):c.1082G>A (p.Gly361Glu)

Gene: ANK1 (ankyrin 1; minus strand). Cytogenetic location: 8p11.21.
Variant type: single nucleotide variant.
Coding change: c.1082G>A on transcript NM_000037.4 (MANE Select); coding-DNA position 1082, G replaced by A.
Protein change: p.Gly361Glu; replaces glycine 361 with glutamic acid.
Molecular consequence: missense variant.
Genome position (GRCh38, 1-based): chr8:41,719,686, C>T on the plus strand (G>A on the coding strand, the complement: ANK1 is on the minus strand). VCF-style: chr8-41719686-C-T. GRCh37 (hg19) VCF-style: chr8-41577204-C-T.
Other names: c.1181G>A, p.Gly394Glu (NM_001142446.2); c.1082G>A, p.Gly361Glu (NM_020475.3, NM_020476.3, NM_020477.3); short protein forms G361E, G394E.
Identifiers: ClinVar variation 1710630 (VCV001710630.2), dbSNP rs2486943683, ClinGen allele CA371041049.
Genomic context (GRCh38, chr8:41,719,686, plus strand): 5'-CACTCTGCACCTTCTCCAGCAGCACCCCCACTCACCAGGGCTCTGGAGTTGGGTTTGGCC[C>T]CTTTATCCAGAAGGACCTTAGCCACCCTGTGGTGTCCACAGTGGGCAGCCACGTGGAGTG-3'
Protein context (NP_000028.3, residues 351-371): HRVAKVLLDK[Gly361Glu]AKPNSRALNG

ClinVar aggregate classification (germline): Uncertain significance (1 of 4 stars; one submission).

Submission:

GeneDx
Classification: Uncertain significance. Last evaluated: 2022-04-14. Review status: criteria provided, single submitter. Criteria: GeneDx Variant Classification Process June 2021. Collection method: clinical testing. Allele origin: germline. Affected: yes.
Comment: Not observed at significant frequency in large population cohorts (gnomAD); In silico analysis supports that this missense variant does not alter protein structure/function; Has not been previously published as pathogenic or benign to our knowledge